The following is an entry in ClinVar:

ClinVar aggregate classification (germline): Likely benign. Review status: criteria provided, multiple submitters, no conflicts (2 of 4 stars). 3 submissions from 3 submitters: Likely benign (3). Last evaluated 2025-03-19.

Conditions:
Juvenile polyposis/hereditary hemorrhagic telangiectasia syndrome (JPHT). Also called: JP/HHT SYNDROME; JUVENILE POLYPOSIS WITH HEREDITARY HEMORRHAGIC TELANGIECTASIA; POLYPOSIS, GENERALIZED JUVENILE, WITH PULMONARY ARTERIOVENOUS MALFORMATION; TELANGIECTASIA, HEREDITARY HEMORRHAGIC, WITH JUVENILE POLYPOSIS COLI; Juvenile Polyposis Syndrome / Hereditary Hemorrhagic Telangiectasia (JPS/HHT). Identifiers: Orphanet 2929, MedGen C1832942, MONDO:0008278, OMIM 175050.
Juvenile polyposis syndrome (JPS). Identifiers: Orphanet 2929, MedGen C0345893, MONDO:0017380, OMIM 174900.

Submissions (3):

Myriad Genetics, Inc.
Classification: Likely benign for Juvenile polyposis/hereditary hemorrhagic telangiectasia syndrome. Last evaluated: 2025-03-19. Review status: criteria provided, single submitter. Criteria: Myriad Autosomal Dominant, Autosomal Recessive and X-Linked Classification Criteria (2023). Collection method: clinical testing. Allele origin: unknown.
Comment: This variant is considered likely benign. This variant is intronic and is not expected to impact mRNA splicing.

Labcorp Genetics (formerly Invitae), Labcorp
Classification: Likely benign for Juvenile polyposis syndrome. Last evaluated: 2024-08-10. Review status: criteria provided, single submitter. Criteria: Invitae Variant Classification Sherloc (09022015). Collection method: clinical testing. Allele origin: germline.

Blueprint Genetics
Classification: Likely benign. Last evaluated: 2022-09-01. Review status: criteria provided, single submitter. Criteria: ACMG Guidelines, 2015. Collection method: clinical testing. Allele origin: germline.

NM_005359.6(SMAD4):c.454+9T>A

Gene: SMAD4 (SMAD family member 4; plus strand). Cytogenetic location: 18q21.2.
Variant type: single nucleotide variant.
Coding change: c.454+9T>A on transcript NM_005359.6 (MANE Select); 9 bases into the intron after coding-DNA position 454, T replaced by A.
Molecular consequence: intron variant.
Genome position (GRCh38, 1-based): chr18:51,049,333, T>A. VCF-style: chr18-51049333-T-A. GRCh37 (hg19) VCF-style: chr18-48575703-T-A.
Identifiers: ClinVar variation 1132588 (VCV001132588.11), dbSNP rs2144407791, ClinGen allele CA2499225200.